The following is an entry in ClinVar:

NM_000051.4(ATM):c.4777-7_4777-6del

Gene: ATM (ATM serine/threonine kinase; plus strand). Cytogenetic location: 11q22.3.
Variant type: Microsatellite.
Coding change: c.4777-7_4777-6del on transcript NM_000051.4 (MANE Select); 7 bases into the intron before coding-DNA position 4777 through 6 bases into the intron before coding-DNA position 4777, 2 bases deleted (CT; older notation c.4777-7_4777-6delCT).
Molecular consequence: intron variant.
Genome position (GRCh38, 1-based): chr11:108,294,920-108,294,921, CT deleted; deleting any 2 consecutive bases within chr11:108,294,917-108,294,921 gives the same sequence; the c. name uses the placement nearest the transcript's 3' end. VCF-style (leftmost placement, unchanged base first): chr11-108294916-TTC-T. GRCh37 (hg19) VCF-style: chr11-108165643-TTC-T.
Other names: c.4777-7_4777-6delCT (NM_000051.3); c.4777-7_4777-6del (NM_001351834.2).
Identifiers: ClinVar variation 490581 (VCV000490581.8), dbSNP rs1064794458, ClinGen allele CA601721461.

ClinVar aggregate classification (germline): Uncertain significance. Review status: criteria provided, multiple submitters, no conflicts (2 of 4 stars). 2 submissions from 2 submitters: Uncertain significance (2). Last evaluated 2025-12-02.

Conditions:
Hereditary cancer-predisposing syndrome. Also called: Tumor predisposition; Neoplastic Syndromes, Hereditary; Hereditary Cancer Syndrome; Hereditary neoplastic syndrome. Identifiers: Orphanet 140162, MedGen C0027672, MeSH D009386, MONDO:0015356.
Ataxia-telangiectasia syndrome (AT). Also called: Ataxia-telangiectasia; Ataxia-telangiectasia, complementation group D; AT, COMPLEMENTATION GROUP C; LOUIS-BAR SYNDROME; Cerebello-oculocutaneous telangiectasia; Immunodeficiency with ataxia telangiectasia. Identifiers: Orphanet 100, MedGen C0004135, MONDO:0008840, OMIM 208900.

Submissions (2):

Labcorp Genetics (formerly Invitae), Labcorp
Classification: Uncertain significance for Ataxia-telangiectasia syndrome. Last evaluated: 2025-12-02. Review status: criteria provided, single submitter. Criteria: Invitae Variant Classification Sherloc (09022015). Collection method: clinical testing. Allele origin: germline.
Comment: This sequence change falls in intron 31 of the ATM gene. It does not directly change the encoded amino acid sequence of the ATM protein. This variant is present in population databases (no rsID available, gnomAD 0.007%). This variant has not been reported in the literature in individuals affected with ATM-related conditions. Algorithms developed to predict the effect of sequence changes on RNA splicing suggest that this variant may disrupt the consensus splice site. In summary, the available evidence is currently insufficient to determine the role of this variant in disease. Therefore, it has been classified as a Variant of Uncertain Significance.

Color Diagnostics, LLC DBA Color Health
Classification: Uncertain significance for Hereditary cancer-predisposing syndrome. Last evaluated: 2018-08-26. Review status: criteria provided, single submitter. Criteria: ACMG Guidelines, 2015. Collection method: clinical testing. Allele origin: germline.